The following is an entry in ClinVar:

NM_000388.4(CASR):c.977A>T (p.Gln326Leu)

Gene: CASR (calcium sensing receptor; plus strand). Cytogenetic location: 3q21.1.
Variant type: single nucleotide variant.
Coding change: c.977A>T on transcript NM_000388.4 (MANE Select); coding-DNA position 977, A replaced by T.
Protein change: p.Gln326Leu; replaces glutamine 326 with leucine.
Molecular consequence: missense variant.
Genome position (GRCh38, 1-based): chr3:122,262,012, A>T. VCF-style: chr3-122262012-A-T. GRCh37 (hg19) VCF-style: chr3-121980859-A-T.
Other names: c.977A>T, p.Gln326Leu (NM_001178065.2); short protein forms Q326L.
Identifiers: ClinVar variation 2938583 (VCV002938583.3), dbSNP rs2473227510, ClinGen allele CA354151898.
Genomic context (GRCh38, chr3:122,262,012, plus strand): 5'-CCATGCCTCAGTACTTCCACGTGGTTGGCGGCACCATTGGATTCGCTCTGAAGGCTGGGC[A>T]GATCCCAGGCTTCCGGGAATTCCTGAAGAAGGTCCATCCCAGGAAGTCTGTCCACAATGG-3'
Protein context (NP_000379.3, residues 316-336): GTIGFALKAG[Gln326Leu]IPGFREFLKK

ClinVar aggregate classification (germline): Uncertain significance (1 of 4 stars; one submission).

Conditions:
Familial hypocalciuric hypercalcemia (FHH). Also called: Familial benign hypercalcemia. Identifiers: Orphanet 405, MedGen C1809471, MONDO:0018458.
Autosomal dominant hypocalcemia 1 (HYPOC1). Also called: HYPOCALCEMIA, FAMILIAL. Identifiers: MedGen C3715128, MONDO:0011013, OMIM 601198.

Submission:

Labcorp Genetics (formerly Invitae), Labcorp
Classification: Uncertain significance for Familial hypocalciuric hypercalcemia; Autosomal dominant hypocalcemia 1. Last evaluated: 2023-09-28. Review status: criteria provided, single submitter. Criteria: Invitae Variant Classification Sherloc (09022015). Collection method: clinical testing. Allele origin: germline.
Comment: In summary, the available evidence is currently insufficient to determine the role of this variant in disease. Therefore, it has been classified as a Variant of Uncertain Significance. An algorithm developed to predict the effect of missense changes on protein structure and function (PolyPhen-2) suggests that this variant is likely to be tolerated. This variant has not been reported in the literature in individuals affected with CASR-related conditions. This variant is not present in population databases (gnomAD no frequency). This sequence change replaces glutamine, which is neutral and polar, with leucine, which is neutral and non-polar, at codon 326 of the CASR protein (p.Gln326Leu).